The following is an entry in ClinVar:

NM_003480.4(MFAP5):c.335+5G>A

Gene: MFAP5 (microfibril associated protein 5; minus strand). Cytogenetic location: 12p13.31.
Variant type: single nucleotide variant.
Coding change: c.335+5G>A on transcript NM_003480.4 (MANE Select); 5 bases into the intron after coding-DNA position 335, G replaced by A.
Molecular consequence: intron variant.
Genome position (GRCh38, 1-based): chr12:8,650,497, C>T on the plus strand (G>A on the coding strand, the complement: MFAP5 is on the minus strand). VCF-style: chr12-8650497-C-T. GRCh37 (hg19) VCF-style: chr12-8803093-C-T.
Other names: c.269+5G>A (NM_001297710.2); c.260+5G>A (NM_001297711.2); c.218-2294G>A (NM_001297712.2); c.305+5G>A (NM_001297709.2).
Identifiers: ClinVar variation 1497841 (VCV001497841.6), dbSNP rs2136461390, ClinGen allele CA2573148536.

ClinVar aggregate classification (germline): Uncertain significance (1 of 4 stars; one submission).

Submission:

Labcorp Genetics (formerly Invitae), Labcorp
Classification: Uncertain significance. Last evaluated: 2022-09-01. Review status: criteria provided, single submitter. Criteria: Invitae Variant Classification Sherloc (09022015). Collection method: clinical testing. Allele origin: germline.
Comment: This sequence change falls in intron 8 of the MFAP5 gene. It does not directly change the encoded amino acid sequence of the MFAP5 protein. It affects a nucleotide within the consensus splice site. This variant is not present in population databases (gnomAD no frequency). This variant has not been reported in the literature in individuals affected with MFAP5-related conditions. ClinVar contains an entry for this variant (Variation ID: 1497841). Variants that disrupt the consensus splice site are a relatively common cause of aberrant splicing (PMID: 17576681, 9536098). Algorithms developed to predict the effect of sequence changes on RNA splicing suggest that this variant may disrupt the consensus splice site. In summary, the available evidence is currently insufficient to determine the role of this variant in disease. Therefore, it has been classified as a Variant of Uncertain Significance.

Literature cited by the submitters: PubMed 17576681; PubMed 9536098.